The following is an entry in ClinVar:

NM_001040108.2(MLH3):c.2329G>A (p.Gly777Arg)

Gene: MLH3 (mutL homolog 3; minus strand). Cytogenetic location: 14q24.3.
Variant type: single nucleotide variant.
Coding change: c.2329G>A on transcript NM_001040108.2 (MANE Select); coding-DNA position 2329, G replaced by A.
Protein change: p.Gly777Arg; replaces glycine 777 with arginine.
Molecular consequence: missense variant.
Genome position (GRCh38, 1-based): chr14:75,047,327, C>T on the plus strand (G>A on the coding strand, the complement: MLH3 is on the minus strand). VCF-style: chr14-75047327-C-T. GRCh37 (hg19) VCF-style: chr14-75514030-C-T.
Other names: c.2329G>A, p.Gly777Arg (NM_014381.3); short protein forms G777R.
Identifiers: ClinVar variation 4860224 (VCV004860224.1).

ClinVar aggregate classification (germline): Uncertain significance (1 of 4 stars; one submission).

gnomAD v4.1: 1 of 1,614,070 alleles (0.000062%); highest among the groups gnomAD compares: African/African-American, 0.0013%; no homozygotes.

Submission:

Ambry Genetics
Classification: Uncertain significance. Last evaluated: 2026-06-01. Review status: criteria provided, single submitter. Criteria: Ambry Variant Classification Scheme 2023. Collection method: clinical testing. Allele origin: germline.
Comment: The p.G777R variant (also known as c.2329G>A), located in coding exon 1 of the MLH3 gene, results from a G to A substitution at nucleotide position 2329. The glycine at codon 777 is replaced by arginine, an amino acid with dissimilar properties. This amino acid position is conserved. In addition, this alteration is predicted to be tolerated by in silico analysis. Based on the available evidence, the clinical significance of this variant remains unclear.